The following is an entry in ClinVar:

ClinVar aggregate classification (germline): Uncertain significance (1 of 4 stars; one submission).

Conditions:
Brunner syndrome (BRNRS). Identifiers: Orphanet 3057, MedGen C0796275, MONDO:0010379, OMIM 300615.

Submission:

Labcorp Genetics (formerly Invitae), Labcorp
Classification: Uncertain significance for Brunner syndrome. Last evaluated: 2024-03-08. Review status: criteria provided, single submitter. Criteria: Invitae Variant Classification Sherloc (09022015). Collection method: clinical testing. Allele origin: germline.
Comment: This sequence change replaces arginine, which is basic and polar, with cysteine, which is neutral and slightly polar, at codon 79 of the MAOA protein (p.Arg79Cys). This variant is present in population databases (rs750916164, gnomAD 0.02%). This variant has not been reported in the literature in individuals affected with MAOA-related conditions. Advanced modeling of protein sequence and biophysical properties (such as structural, functional, and spatial information, amino acid conservation, physicochemical variation, residue mobility, and thermodynamic stability) performed at Invitae indicates that this missense variant is expected to disrupt MAOA protein function with a positive predictive value of 80%. In summary, the available evidence is currently insufficient to determine the role of this variant in disease. Therefore, it has been classified as a Variant of Uncertain Significance.

NM_000240.4(MAOA):c.235C>T (p.Arg79Cys)

Gene: MAOA (monoamine oxidase A; plus strand). Cytogenetic location: Xp11.3.
Variant type: single nucleotide variant.
Coding change: c.235C>T on transcript NM_000240.4 (MANE Select); coding-DNA position 235, C replaced by T.
Protein change: p.Arg79Cys; replaces arginine 79 with cysteine.
Molecular consequence: missense variant. On other transcripts: 5 prime UTR variant (1).
Genome position (GRCh38, 1-based): chrX:43,693,357, C>T. VCF-style: chrX-43693357-C-T. GRCh37 (hg19) VCF-style: chrX-43552604-C-T.
Other names: c.-165C>T (NM_001270458.2); short protein forms R79C.
Identifiers: ClinVar variation 3619148 (VCV003619148.2).
Genomic context (GRCh38, chrX:43,693,357, plus strand): 5'-CATGTTGATTACGTAGATGTTGGTGGAGCTTATGTGGGACCAACCCAAAACAGAATCTTA[C>T]GCTTGTCTAAGGAGCTGGGCATAGAGACTTACAAAGTGAATGTCAGTGAGCGTCTCGTTC-3'
Protein context (NP_000231.1, residues 69-89): YVGPTQNRIL[Arg79Cys]LSKELGIETY